The following is an entry in ClinVar:

NM_001042424.3(NSD2):c.2765T>C (p.Phe922Ser)

Gene: NSD2 (nuclear receptor binding SET domain protein 2; plus strand). Cytogenetic location: 4p16.3.
Variant type: single nucleotide variant.
Coding change: c.2765T>C on transcript NM_001042424.3 (MANE Select); coding-DNA position 2765, T replaced by C.
Protein change: p.Phe922Ser; replaces phenylalanine 922 with serine.
Molecular consequence: missense variant.
Genome position (GRCh38, 1-based): chr4:1,956,072, T>C. VCF-style: chr4-1956072-T-C. GRCh37 (hg19) VCF-style: chr4-1957799-T-C.
Other names: c.2765T>C, p.Phe922Ser (NM_133330.3, NM_133331.3, NM_133335.4); c.2765T>C (NM_133330.2); short protein forms F922S.
Identifiers: ClinVar variation 3773809 (VCV003773809.5).

ClinVar aggregate classification (germline): Uncertain significance. Review status: criteria provided, multiple submitters, no conflicts (2 of 4 stars). 3 submissions from 3 submitters: Uncertain significance (3). Last evaluated 2026-04-14.

Conditions:
Syndromic intellectual disability. Also called: Intellectual disability syndrome. Identifiers: Orphanet 183763, MedGen C5680525, MONDO:0000508.
Rauch-Steindl syndrome (RAUST). Identifiers: Orphanet 659642, MedGen C5562061, MONDO:0859219, OMIM 619695.

Submissions (3):

GeneDx
Classification: Uncertain significance. Last evaluated: 2026-04-14. Review status: criteria provided, single submitter. Criteria: GeneDx Variant Classification Process June 2021. Collection method: clinical testing. Allele origin: germline.
Comment: Not observed at significant frequency in large population cohorts (gnomAD); In silico analysis supports that this missense variant has a deleterious effect on protein structure/function; Has not been previously published as pathogenic or benign to our knowledge; This variant is associated with the following publications: (PMID: 36189577, 33941880)

Victorian Clinical Genetics Services, Murdoch Childrens Research Institute
Classification: Uncertain significance for Rauch-Steindl syndrome. Last evaluated: 2025-08-12. Review status: criteria provided, single submitter. Criteria: ACMG Guidelines, 2015. Collection method: clinical testing. Allele origin: germline. Affected: yes.
Comment: This variant is classified as VUS-3B. Evidence in support of pathogenic classification: Variant is absent from gnomAD (v2, v3 and v4); Missense variant in a region that is highly intolerant to missense variation (high constraint region in DECIPHER); Missense variant predicted to be damaging by in silico tool(s) or highly conserved with a major amino acid change. Additional information: Variant is predicted to result in a missense amino acid change from Phe to Ser; This gene is associated with autosomal dominant disease; Previous evidence of pathogenicity for this variant is inconclusive. This variant has been classified VUS by a clinical laboratory in ClinVar; No published evidence of segregation with disease has been identified for this variant; No published functional evidence has been identified for this variant; No comparable missense variants have previous evidence for pathogenicity; Loss of function and gain of function are known mechanisms of disease in this gene and are associated with Rauch-Steindl syndrome (MIM#619695) and a neurodevelopmental disorder, NSD2-related (MONDO:0700092), respectively. A single recurring missense variant with a gain of function mechanism has been reported to cause a more severe neurodevelopmental disorder, whereas loss of function missense variants and those resulting in a premature termination codon have been reported to cause Rauch-Steindl syndrome (PMIDs: 36189577, 33941880); Variants in this gene are known to have variable expressivity (OMIM).

Molecular Genetics, Royal Melbourne Hospital
Classification: Uncertain significance for Syndromic intellectual disability. Last evaluated: 2024-12-06. Review status: criteria provided, single submitter. Criteria: ACMG Guidelines, 2015. Collection method: clinical testing. Allele origin: germline. Inheritance: Autosomal dominant inheritance. Affected: yes.
Comment: This sequence change in NSD2 is predicted to replace phenylalanine with serine at codon 922, p.(Phe922Ser). The phenylalanine residue is highly conserved (100 vertebrates, Multiz Alignments), and is located in the PWWP domain that is in a region (amino acids 891-923) highly intolerant to missense variation (Metadome). There is a large physicochemical difference between phenylalanine and serine. This variant is absent from the population database gnomAD v4.1. To our knowledge, this variant is novel and has not been previously reported in the relevant scientific literature or databases. Computational evidence predicts a deleterious effect for the missense substitution (REVEL = 0.826) and has an uninformative predicted impact on splicing (SpliceAI) for the nucleotide change. Based on the classification scheme RMH Modified ACMG/AMP Guidelines v1.7.0, this variant is classified as a VARIANT OF UNCERTAIN SIGNIFICANCE. Following criteria are met: PM1, PM2_Supporting, PP3

Literature cited by the submitters: PubMed 36189577 (cited by Victorian Clinical Genetics Services, Murdoch Childrens Research Institute); PubMed 33941880 (cited by Victorian Clinical Genetics Services, Murdoch Childrens Research Institute).